The following is an entry in ClinVar:

ClinVar aggregate classification (germline): Likely benign. Review status: criteria provided, multiple submitters, no conflicts (2 of 4 stars). 4 submissions from 4 submitters: Likely benign (4). Last evaluated 2025-03-26.

Conditions:
Immunodeficiency 104. Also called: IMMUNODEFICIENCY 104, SEVERE COMBINED; Severe combined immunodeficiency, autosomal recessive, T cell-negative, B cell-positive, NK cell-positive; Severe Combined Immune Deficiency, Autosomal Recessive, TCell -Negative, B Cell-Positive, NK Cell-Positive, IL7R-Related; SCID, AUTOSOMAL RECESSIVE, T CELL-NEGATIVE, B CELL-POSITIVE, NK CELL-POSITIVE. Identifiers: MedGen C5676890, MONDO:0012163, OMIM 608971.

Allele frequency attached by ClinVar (database versions not stated): TOPMed 0.00001.
gnomAD v4.1: 34 of 1,613,230 alleles (0.0021%); highest among the groups gnomAD compares: Middle Eastern, 0.016%; no homozygotes.

Submissions (4):

Labcorp Genetics (formerly Invitae), Labcorp
Classification: Likely benign for Immunodeficiency 104. Last evaluated: 2025-03-26. Review status: criteria provided, single submitter. Criteria: Invitae Variant Classification Sherloc (09022015). Collection method: clinical testing. Allele origin: germline.

CeGaT Center for Human Genetics Tuebingen
Classification: Likely benign. Last evaluated: 2025-01-01. Review status: criteria provided, single submitter. Criteria: CeGaT Center For Human Genetics Tuebingen Variant Classification Criteria Version 2. Collection method: clinical testing. Allele origin: germline. Affected: yes. Observed: 1 variant allele.
Comment: IL7R: BP4, BP7

Blueprint Genetics
Classification: Likely benign. Last evaluated: 2024-09-10. Review status: criteria provided, single submitter. Criteria: ACMG Guidelines, 2015. Collection method: clinical testing. Allele origin: germline.

GeneDx
Classification: Likely benign. Last evaluated: 2016-07-15. Review status: criteria provided, single submitter. Criteria: GeneDx Variant Classification (06012015). Collection method: clinical testing. Allele origin: germline. Affected: yes.
Comment: This variant is considered likely benign or benign based on one or more of the following criteria: it is a conservative change, it occurs at a poorly conserved position in the protein, it is predicted to be benign by multiple in silico algorithms, and/or has population frequency not consistent with disease.

NM_002185.5(IL7R):c.831C>T (p.Pro277=)

Gene: IL7R (interleukin 7 receptor; plus strand). Cytogenetic location: 5p13.2.
Variant type: single nucleotide variant.
Coding change: c.831C>T on transcript NM_002185.5 (MANE Select); coding-DNA position 831, C replaced by T.
Protein change: p.Pro277=; no amino-acid change (proline 277 retained).
Molecular consequence: synonymous variant. On other transcripts: non-coding transcript variant (1).
Genome position (GRCh38, 1-based): chr5:35,875,542, C>T. VCF-style: chr5-35875542-C-T. GRCh37 (hg19) VCF-style: chr5-35875644-C-T.
Identifiers: ClinVar variation 387906 (VCV000387906.23), dbSNP rs766895607, ClinGen allele CA3232133.